The following is an entry in ClinVar:

ClinVar aggregate classification (germline): Uncertain significance (1 of 4 stars; one submission).

Submission:

GeneDx
Classification: Uncertain significance. Last evaluated: 2024-03-27. Review status: criteria provided, single submitter. Criteria: GeneDx Variant Classification Process June 2021. Collection method: clinical testing. Allele origin: germline. Affected: yes.
Comment: Not observed at significant frequency in large population cohorts (gnomAD); In silico analysis supports that this missense variant does not alter protein structure/function; Has not been previously published as pathogenic or benign to our knowledge

NM_012310.5(KIF4A):c.2542G>A (p.Asp848Asn)

Gene: KIF4A (kinesin family member 4A; plus strand). Cytogenetic location: Xq13.1.
Variant type: single nucleotide variant.
Coding change: c.2542G>A on transcript NM_012310.5 (MANE Select); coding-DNA position 2542, G replaced by A.
Protein change: p.Asp848Asn; replaces aspartic acid 848 with asparagine.
Molecular consequence: missense variant.
Genome position (GRCh38, 1-based): chrX:70,402,618, G>A. VCF-style: chrX-70402618-G-A. GRCh37 (hg19) VCF-style: chrX-69622468-G-A.
Other names: short protein forms D848N.
Identifiers: ClinVar variation 3371600 (VCV003371600.1).